The following is an entry in ClinVar:

ClinVar aggregate classification (germline): Uncertain significance (1 of 4 stars; one submission).

Conditions:
Nephronophthisis 18 (NPHP18). Identifiers: Orphanet 655, MedGen C3890591, MONDO:0014374, OMIM 615862.

Allele frequency attached by ClinVar (database versions not stated): ExAC 0.00002; gnomAD exomes 0.00002; gnomAD 0.00001; TOPMed 0.00002.

Submission:

Labcorp Genetics (formerly Invitae), Labcorp
Classification: Uncertain significance for Nephronophthisis 18. Last evaluated: 2025-02-10. Review status: criteria provided, single submitter. Criteria: Invitae Variant Classification Sherloc (09022015). Collection method: clinical testing. Allele origin: germline.
Comment: This sequence change replaces histidine with aspartic acid at codon 415 of the CEP83 protein (p.His415Asp). The histidine residue is weakly conserved and there is a moderate physicochemical difference between histidine and aspartic acid. This variant is present in population databases (rs752099250, gnomAD 0.01%). This variant has not been reported in the literature in individuals affected with CEP83-related conditions. ClinVar contains an entry for this variant (Variation ID: 1404969). Invitae Evidence Modeling of protein sequence and biophysical properties (such as structural, functional, and spatial information, amino acid conservation, physicochemical variation, residue mobility, and thermodynamic stability) indicates that this missense variant is not expected to disrupt CEP83 protein function with a negative predictive value of 80%. In summary, the available evidence is currently insufficient to determine the role of this variant in disease. Therefore, it has been classified as a Variant of Uncertain Significance.

NM_016122.3(CEP83):c.1243C>G (p.His415Asp)

Gene: CEP83 (centrosomal protein 83; minus strand). Cytogenetic location: 12q22.
Variant type: single nucleotide variant.
Coding change: c.1243C>G on transcript NM_016122.3 (MANE Select); coding-DNA position 1243, C replaced by G.
Protein change: p.His415Asp; replaces histidine 415 with aspartic acid.
Molecular consequence: missense variant. On other transcripts: non-coding transcript variant (1).
Genome position (GRCh38, 1-based): chr12:94,367,894, G>C on the plus strand (C>G on the coding strand, the complement: CEP83 is on the minus strand). VCF-style: chr12-94367894-G-C. GRCh37 (hg19) VCF-style: chr12-94761670-G-C.
Other names: c.1243C>G, p.His415Asp (NM_001042399.2, NM_001346457.2, NM_001368037.1 and 1 more transcripts); c.931C>G, p.His311Asp (NM_001346458.2, NM_001346459.2, NM_001368039.1 and 1 more transcripts); c.1018C>G, p.His340Asp (NM_001368041.1); short protein forms H311D, H340D, H415D.
Identifiers: ClinVar variation 1404969 (VCV001404969.6), dbSNP rs752099250, ClinGen allele CA6721697.
Genomic context (GRCh38, chr12:94,367,894, plus strand): 5'-TCTGTGAAGCCCGCAATTTCTCTTCATACTGATCCTTTTCAGATTGCCTCCAGACATCAT[G>C]TTCCACTTTCATTTTCTCCAAATCTGCTAATCTGTTCTCGAGTTCTAACCTAAAACAAGA-3'
Protein context (NP_057206.2, residues 405-425): LADLEKMKVE[His415Asp]DVWRQSEKDQ